The following is an entry in ClinVar:

ClinVar aggregate classification (germline): Uncertain significance (1 of 4 stars; one submission).

Conditions:
Norman-Roberts syndrome (LIS2). Also called: Lissencephaly 2 (Norman-Roberts type). Identifiers: Orphanet 89844, MedGen C0796089, MONDO:0009760, OMIM 257320.
Familial temporal lobe epilepsy 7. Identifiers: Orphanet 101046, MedGen C4225327, MONDO:0014639, OMIM 616436.

Allele frequency attached by ClinVar (database versions not stated): gnomAD 0.00001; TOPMed 0.00001; gnomAD exomes 0.00005.
gnomAD v4.1: 39 of 1,614,024 alleles (0.0024%); highest among the groups gnomAD compares: Non-Finnish European, 0.0033%; no homozygotes.

Submission:

Labcorp Genetics (formerly Invitae), Labcorp
Classification: Uncertain significance for Familial temporal lobe epilepsy 7; Norman-Roberts syndrome. Last evaluated: 2023-08-10. Review status: criteria provided, single submitter. Criteria: Invitae Variant Classification Sherloc (09022015). Collection method: clinical testing. Allele origin: germline.
Comment: ClinVar contains an entry for this variant (Variation ID: 2125981). This sequence change replaces aspartic acid, which is acidic and polar, with glycine, which is neutral and non-polar, at codon 1538 of the RELN protein (p.Asp1538Gly). This variant is not present in population databases (gnomAD no frequency). This variant has not been reported in the literature in individuals affected with RELN-related conditions. Advanced modeling of protein sequence and biophysical properties (such as structural, functional, and spatial information, amino acid conservation, physicochemical variation, residue mobility, and thermodynamic stability) performed at Invitae indicates that this missense variant is not expected to disrupt RELN protein function. In summary, the available evidence is currently insufficient to determine the role of this variant in disease. Therefore, it has been classified as a Variant of Uncertain Significance.

NM_005045.4(RELN):c.4613A>G (p.Asp1538Gly)

Gene: RELN (reelin; minus strand). Cytogenetic location: 7q22.1.
Variant type: single nucleotide variant.
Coding change: c.4613A>G on transcript NM_005045.4 (MANE Select); coding-DNA position 4613, A replaced by G.
Protein change: p.Asp1538Gly; replaces aspartic acid 1538 with glycine.
Molecular consequence: missense variant.
Genome position (GRCh38, 1-based): chr7:103,566,735, T>C on the plus strand (A>G on the coding strand, the complement: RELN is on the minus strand). VCF-style: chr7-103566735-T-C. GRCh37 (hg19) VCF-style: chr7-103207182-T-C.
Other names: c.4613A>G, p.Asp1538Gly (NM_173054.3); short protein forms D1538G.
Identifiers: ClinVar variation 2125981 (VCV002125981.4), dbSNP rs1197813514, ClinGen allele CA368748624.